The following is an entry in ClinVar:

NM_000350.3(ABCA4):c.1928T>G (p.Val643Gly)

Gene: ABCA4 (ATP binding cassette subfamily A member 4; minus strand). Cytogenetic location: 1p22.1.
Variant type: single nucleotide variant.
Coding change: c.1928T>G on transcript NM_000350.3 (MANE Select); coding-DNA position 1928, T replaced by G.
Protein change: p.Val643Gly; replaces valine 643 with glycine.
Molecular consequence: missense variant.
Genome position (GRCh38, 1-based): chr1:94,062,586, A>C on the plus strand (T>G on the coding strand, the complement: ABCA4 is on the minus strand). VCF-style: chr1-94062586-A-C. GRCh37 (hg19) VCF-style: chr1-94528142-A-C.
Other names: c.1928T>G, p.Val643Gly (NM_001425324.1); short protein forms V643G.
Identifiers: ClinVar variation 99102 (VCV000099102.74), dbSNP rs61754024, ClinGen allele CA226958.
Genomic context (GRCh38, chr1:94,062,586, plus strand): 5'-CAGCACCCCCATTAGCGTGTCATGGAGGAGGATCGCGAACTTCAGACTCACGAATCGTCC[A>C]CGAAGCAGGGGTAGGGCATCTGCTGGAGGTAGATTCCAACTGGAGCCTCCGCCTGCACCT-3'
Protein context (NP_000341.2, residues 633-653): YLQQMPYPCF[Val643Gly]DDSFMIILNR

ClinVar aggregate classification (germline): Conflicting classifications of pathogenicity. Review status: criteria provided, conflicting classifications (1 of 4 stars). 13 submissions from 13 submitters: Uncertain significance (11); Likely benign (1). 1 of the submissions does not count toward it. Last evaluated 2026-08-27.

Conditions:
Cone-rod dystrophy 3 (CORD3). Identifiers: Orphanet 1872, MedGen C1858806, MONDO:0011395, OMIM 604116.
Retinitis pigmentosa 19 (RP19). Also called: ABCA4-Related Retinitis Pigmentosa. Identifiers: Orphanet 791, MedGen C1866422, MONDO:0011137, OMIM 601718.
ABCA4-related disorder. Also called: ABCA4-related condition; ABCA4-related disorders. Identifiers: MedGen CN239167.
Retinal dystrophy. Also called: Inherited retinal dystrophy. Identifiers: Orphanet 71862, MedGen C0854723, MeSH D058499, MONDO:0019118, HP:0000556.
Severe early-childhood-onset retinal dystrophy (STGD1). Also called: MACULAR DYSTROPHY WITH FLECKS, TYPE 1; STGD; Stargardt macular dystrophy; Juvenile onset macular degeneration; Stargardt disease 1. Identifiers: Orphanet 364055, Orphanet 827, MedGen C1855465, MeSH D000080362, MONDO:0009549, OMIM 248200.

Allele frequency attached by ClinVar (database versions not stated): 1000 Genomes Project 0.00100; 1000 Genomes Project 30x 0.00125; ExAC 0.00135; gnomAD exomes 0.00155 and 0.00271; TOPMed 0.00165; gnomAD 0.00168 and 0.00178; ESP Exome Variant Server 0.00208.
gnomAD v4.1: 4,136 of 1,613,566 alleles (0.26%); highest among the groups gnomAD compares: Non-Finnish European, 0.33%; 9 homozygotes.

Submissions (13):

PreventionGenetics, part of Exact Sciences
Classification: Uncertain significance for ABCA4-related condition. Last evaluated: 2026-08-27. Review status: criteria provided, single submitter. Criteria: ACMG Guidelines, 2015. Collection method: clinical testing. Allele origin: germline.
Comment: The ABCA4 c.1928T>G variant is predicted to result in the amino acid substitution p.Val643Gly. This variant has been reported in cohort studies of retinal disease, but in several cases a second ABCA4 variant was not detected or a variant in a different gene was found to be causative (Rosenberg et al. 2007. PubMed ID: 17982420; Table S10, Khan et al. 2020. PubMed ID: 32307445; Table S1, Fenner et al. 2024. PubMed ID: 38309476; Kitiratschky et al. 2008. PubMed ID: 18285826; Tables S1-2, Ścieżyńska et al. 2015. PubMed ID: 26593885; Table S3, Maggi et al. 2024. PubMed ID: 38928247). An in vitro experimental study suggests this variant has normal protein expression and localization but demonstrates reduced substrate-stimulated ATPase activity that could adversely affect protein binding (Aslaksen et al. 2024. PubMed ID: 39087934). This variant is present in 0.30% of alleles in individuals of European (non-Finnish) descent in gnomAD, including 9 homozygous individuals in gnomAD v4.1.0, and a study of the frequency of this variant in affected individuals versus the general population has classified this variant as benign (Table S2A, Cornelis et al. 2022. PubMed ID: 35120629). This variant has conflicting interpretations in ClinVar ranging from uncertain to likely benign (Variation ID: 99102). Although we suspect that this variant may be benign, at this time, the clinical significance of this variant is uncertain due to the absence of conclusive functional and genetic evidence.

GeneDx
Classification: Uncertain significance. Last evaluated: 2026-08-25. Review status: criteria provided, single submitter. Criteria: GeneDx Variant Classification Process June 2021. Collection method: clinical testing. Allele origin: germline.
Comment: Observed with a pathogenic variant in patients with Stargardt disease in published literature, but it is not known whether the variants occurred on the same (in cis) or on different (in trans) chromosomes (PMID: 32531858, 37126335); Identified in other patients with features of an ABCA4-related disorder; however, the variant was either reported in the heterozygous state, or was seen with a second ABCA4 variant, phase unknown, whose pathogenicity was not established (PMID: 9295268, 17982420, 26593885, 27628848, 29555955); In silico analysis supports that this missense variant has a deleterious effect on protein structure/function; This variant is associated with the following publications: (PMID: 20981092, 35120629, 31964843, 36460718, 32307445, 37734845, 34906470, 27628848, 24265693, 17982420, 26593885, 29555955, 34426522, Scott2022[CaseReport], 34513887, 31429209, Bujakowska2023[abstract], 9295268, 37705246, 32531858, 37869022, 37126335, 40592404, 39087934, 38928247, 38309476, 39043154, 38219857)

Labcorp Genetics (formerly Invitae), Labcorp
Classification: Likely benign. Last evaluated: 2026-01-28. Review status: criteria provided, single submitter. Criteria: Invitae Variant Classification Sherloc (09022015). Collection method: clinical testing. Allele origin: germline.

Blueprint Genetics
Classification: Uncertain significance. Last evaluated: 2024-11-19. Review status: criteria provided, single submitter. Criteria: ACMG Guidelines, 2015. Collection method: clinical testing. Allele origin: germline.

Institute of Medical Genetics and Applied Genomics, University Hospital Tübingen
Classification: Uncertain significance for Cone-rod dystrophy 3. Last evaluated: 2024-09-24. Review status: criteria provided, single submitter. Criteria: ACMG Guidelines, 2015. Collection method: clinical testing. Allele origin: germline. Inheritance: Autosomal recessive inheritance. Affected: yes.

CeGaT Center for Human Genetics Tuebingen
Classification: Uncertain significance. Last evaluated: 2024-01-01. Review status: criteria provided, single submitter. Criteria: CeGaT Center For Human Genetics Tuebingen Variant Classification Criteria Version 2. Collection method: clinical testing. Allele origin: germline. Affected: yes. Observed: 5 variant alleles.
Comment: ABCA4: PM3, PM2:Supporting

ARUP Laboratories, Molecular Genetics and Genomics, ARUP Laboratories
Classification: Uncertain significance. Last evaluated: 2023-10-09. Review status: criteria provided, single submitter. Criteria: ARUP Molecular Germline Variant Investigation Process 2024. Collection method: clinical testing. Allele origin: germline.
Comment: The ABCA4 c.1928T>G; p.Val643Gly variant (rs61754024) is reported in the medical literature in individuals with retinopathy in the heterozygous state without an additional pathogenic ABCA4 variant (Birtel 2018, Rosenberg 2007, Scienzynska 2016) and was originally described at a similar frequency in affected and unaffected individuals (Allikmets 1997). The variant is reported in the ClinVar database (Variation ID: 99102) and in the European (non-Finnish) population with an overall allele frequency of 0.3% (389/128892 alleles including 1 homozygote) in the Genome Aggregation Database. The valine at this position is highly conserve but computational analyses (SIFT: Damaging, PolyPhen-2: Benign) predict conflicting effects of this variant on protein structure/function. Due to limited information, the clinical significance of the variant is uncertain at this time. References: Allikmets R et al. Mutation of the Stargardt disease gene (ABCR) in age-related macular degeneration. Science. 1997 Sep 19;277(5333):1805-7. Birtel J et al. Clinical and genetic characteristics of 251 consecutive patients with macular and cone/cone-rod dystrophy. Sci Rep. 2018 Mar 19;8(1):4824 Rosenberg T et al. N965S is a common ABCA4 variant in Stargardt-related retinopathies in the Danish population. Mol Vis. 2007 Oct 17;13:1962-9. Sciezynska A et al. Next-generation sequencing of ABCA4: High frequency of complex alleles and novel mutations in patients with retinal dystrophies from Central Europe. Exp Eye Res. 2016 Apr;145:93-99.

Department of Pathology and Laboratory Medicine, Sinai Health System
Classification: Uncertain significance for Cone-rod dystrophy 3; Retinitis pigmentosa 19. Last evaluated: 2023-08-22. Review status: criteria provided, single submitter. Criteria: ACMG Guidelines, 2015. Collection method: research. Allele origin: germline.

Institute of Human Genetics, Univ. Regensburg, Univ. Regensburg
Classification: Uncertain significance for Retinal dystrophy. Last evaluated: 2023-01-01. Review status: criteria provided, single submitter. Criteria: ACMG Guidelines, 2015. Collection method: clinical testing. Allele origin: germline. Affected: yes.

Ocular Genomics Institute, Massachusetts Eye and Ear
Classification: Uncertain significance for Severe early-childhood-onset retinal dystrophy. Last evaluated: 2021-04-08. Review status: criteria provided, single submitter. Criteria: ACMG Guidelines, 2015. Collection method: research. Allele origin: germline. Affected: yes.
Comment: Through a review of available evidence we were able to apply the following criteria: PP3. Based on this evidence we have classified this variant as Variant of Uncertain Significance.

Illumina Laboratory Services, Illumina
Classification: Uncertain significance for ABCA4-Related Disorders. Last evaluated: 2017-04-27. Review status: criteria provided, single submitter. Criteria: ICSL Variant Classification Criteria 13 December 2019. Collection method: clinical testing. Allele origin: germline.

Eurofins Ntd Llc (ga)
Classification: Uncertain significance. Last evaluated: 2016-12-01. Review status: criteria provided, single submitter. Criteria: EGL Classification Definitions 2015. Collection method: clinical testing. Allele origin: germline. Observed: 3 variant alleles, 3 heterozygotes.

Retina International
No classification provided. Review status: no classification provided. Collection method: not provided. Allele origin: unknown. Not counted in ClinVar's aggregate classification.

Literature cited by the submitters: PubMed 17982420 (cited by Institute of Human Genetics, Univ. Regensburg, Univ. Regensburg and Ocular Genomics Institute, Massachusetts Eye and Ear); PubMed 20981092 (cited by Institute of Human Genetics, Univ. Regensburg, Univ. Regensburg); PubMed 24265693 (cited by Institute of Human Genetics, Univ. Regensburg, Univ. Regensburg and Ocular Genomics Institute, Massachusetts Eye and Ear); PubMed 26593885 (cited by Institute of Human Genetics, Univ. Regensburg, Univ. Regensburg); PubMed 25525159 (cited by Institute of Human Genetics, Univ. Regensburg, Univ. Regensburg); PubMed 27628848 (cited by Institute of Human Genetics, Univ. Regensburg, Univ. Regensburg); PubMed 29555955 (cited by Institute of Human Genetics, Univ. Regensburg, Univ. Regensburg and Ocular Genomics Institute, Massachusetts Eye and Ear); PubMed 31964843 (cited by Institute of Human Genetics, Univ. Regensburg, Univ. Regensburg); PubMed 31429209 (cited by Institute of Human Genetics, Univ. Regensburg, Univ. Regensburg); PubMed 32307445 (cited by Institute of Human Genetics, Univ. Regensburg, Univ. Regensburg); PubMed 32531858 (cited by Institute of Human Genetics, Univ. Regensburg, Univ. Regensburg); PubMed 34426522 (cited by Institute of Human Genetics, Univ. Regensburg, Univ. Regensburg); PubMed 34513887 (cited by Institute of Human Genetics, Univ. Regensburg, Univ. Regensburg); PubMed 36460718 (cited by Institute of Human Genetics, Univ. Regensburg, Univ. Regensburg); PubMed 28118664 (cited by Institute of Human Genetics, Univ. Regensburg, Univ. Regensburg and Ocular Genomics Institute, Massachusetts Eye and Ear).